The following is an entry in ClinVar:

NM_001845.6(COL4A1):c.2626+5G>C

Gene: COL4A1 (collagen type IV alpha 1 chain; minus strand). Cytogenetic location: 13q34.
Variant type: single nucleotide variant.
Coding change: c.2626+5G>C on transcript NM_001845.6 (MANE Select); 5 bases into the intron after coding-DNA position 2626, G replaced by C.
Molecular consequence: intron variant.
Genome position (GRCh38, 1-based): chr13:110,178,059, C>G on the plus strand (G>C on the coding strand, the complement: COL4A1 is on the minus strand). VCF-style: chr13-110178059-C-G. GRCh37 (hg19) VCF-style: chr13-110830406-C-G.
Identifiers: ClinVar variation 2027948 (VCV002027948.4), dbSNP rs772053307, ClinGen allele CA7047542.

ClinVar aggregate classification (germline): Uncertain significance (1 of 4 stars; one submission).

Allele frequency attached by ClinVar (database versions not stated): ExAC 0.00001.
gnomAD v4.1: 2 of 1,614,182 alleles (0.00012%); highest among the groups gnomAD compares: East Asian, 0.0022%; no homozygotes.

Submission:

Labcorp Genetics (formerly Invitae), Labcorp
Classification: Uncertain significance. Last evaluated: 2022-08-30. Review status: criteria provided, single submitter. Criteria: Invitae Variant Classification Sherloc (09022015). Collection method: clinical testing. Allele origin: germline.
Comment: In summary, the available evidence is currently insufficient to determine the role of this variant in disease. Therefore, it has been classified as a Variant of Uncertain Significance. Variants that disrupt the consensus splice site are a relatively common cause of aberrant splicing (PMID: 17576681, 9536098). Algorithms developed to predict the effect of sequence changes on RNA splicing suggest that this variant is not likely to affect RNA splicing. This variant has not been reported in the literature in individuals affected with COL4A1-related conditions. This variant is present in population databases (rs772053307, gnomAD 0.0009%). This sequence change falls in intron 32 of the COL4A1 gene. It does not directly change the encoded amino acid sequence of the COL4A1 protein. It affects a nucleotide within the consensus splice site.

Literature cited by the submitters: PubMed 17576681; PubMed 9536098.